The following is an entry in ClinVar:

ClinVar aggregate classification (germline): Uncertain significance (1 of 4 stars; one submission).

Allele frequency attached by ClinVar (database versions not stated): TOPMed below 0.00001; gnomAD 0.00001.
gnomAD v4.1: 2 of 1,614,096 alleles (0.00012%); highest among the groups gnomAD compares: Admixed American, 0.0017%; no homozygotes.

Submission:

GeneDx
Classification: Uncertain significance. Last evaluated: 2019-08-30. Review status: criteria provided, single submitter. Criteria: GeneDx Variant Classification Process June 2021. Collection method: clinical testing. Allele origin: germline. Affected: yes.
Comment: Not observed in large population cohorts (Lek et al., 2016); In silico analysis, which includes protein predictors and evolutionary conservation, supports that this variant does not alter protein structure/function; Has not been previously published as pathogenic or benign to our knowledge

NM_006015.6(ARID1A):c.5418C>G (p.Ile1806Met)

Gene: ARID1A (AT-rich interaction domain 1A; plus strand). Cytogenetic location: 1p36.11.
Variant type: single nucleotide variant.
Coding change: c.5418C>G on transcript NM_006015.6 (MANE Select); coding-DNA position 5418, C replaced by G.
Protein change: p.Ile1806Met; replaces isoleucine 1806 with methionine.
Molecular consequence: missense variant.
Genome position (GRCh38, 1-based): chr1:26,779,316, C>G. VCF-style: chr1-26779316-C-G. GRCh37 (hg19) VCF-style: chr1-27105807-C-G.
Other names: c.4767C>G, p.Ile1589Met (NM_139135.4); short protein forms I1589M, I1806M.
Identifiers: ClinVar variation 1309544 (VCV001309544.2), dbSNP rs2081167934, ClinGen allele CA339185282.